The following is an entry in ClinVar:

NM_001346249.2(RALGAPA1):c.1426G>C (p.Glu476Gln)

Gene: RALGAPA1 (Ral GTPase activating protein catalytic subunit alpha 1; minus strand). Cytogenetic location: 14q13.2.
Variant type: single nucleotide variant.
Coding change: c.1426G>C on transcript NM_001346249.2 (MANE Select); coding-DNA position 1426, G replaced by C.
Protein change: p.Glu476Gln; replaces glutamic acid 476 with glutamine.
Molecular consequence: missense variant.
Genome position (GRCh38, 1-based): chr14:35,742,391, C>G on the plus strand (G>C on the coding strand, the complement: RALGAPA1 is on the minus strand). VCF-style: chr14-35742391-C-G. GRCh37 (hg19) VCF-style: chr14-36211597-C-G.
Other names: p.Glu476Gln; c.1426G>C (NM_001346249.1); c.1426G>C, p.Glu476Gln (NM_001283043.3, NM_001283044.3, NM_001330075.3 and 7 more transcripts); short protein forms E476Q.
Identifiers: ClinVar variation 2644176 (VCV002644176.27), dbSNP rs147632848, ClinGen allele CA7157080.

ClinVar aggregate classification (germline): Likely benign. Review status: criteria provided, multiple submitters, no conflicts (2 of 4 stars). 4 submissions from 4 submitters: Likely benign (3). 1 of the submissions does not count toward it. Last evaluated 2026-09-01.

Conditions:
RALGAPA1-related disorder. Also called: RALGAPA1-related condition.

Allele frequency attached by ClinVar (database versions not stated): 1000 Genomes Project 0.00180; 1000 Genomes Project 30x 0.00234; gnomAD 0.00239; ESP Exome Variant Server 0.00261; TOPMed 0.00266; ExAC 0.00359; gnomAD exomes 0.00391.
gnomAD v4.1: 5,969 of 1,596,378 alleles (0.37%); highest among the groups gnomAD compares: Non-Finnish European, 0.46%; 15 homozygotes.

Submissions (4):

CeGaT Center for Human Genetics Tuebingen
Classification: Likely benign. Last evaluated: 2026-09-01. Review status: criteria provided, single submitter. Criteria: CeGaT Center For Human Genetics Tuebingen Variant Classification Criteria Version 2. Collection method: clinical testing. Allele origin: germline. Affected: yes. Observed: 18 variant alleles.
Comment: RALGAPA1: BP4, BS2

Mayo Clinic Laboratories, Mayo Clinic
Classification: Likely benign. Last evaluated: 2025-01-03. Review status: criteria provided, single submitter. Criteria: ACMG Guidelines, 2015. Collection method: clinical testing. Allele origin: germline. Observed: 3 variant alleles.
Comment: BS2, BP4

Blueprint Genetics
Classification: Likely benign. Last evaluated: 2024-11-05. Review status: criteria provided, single submitter. Criteria: ACMG Guidelines, 2015. Collection method: clinical testing. Allele origin: germline.

PreventionGenetics, part of Exact Sciences
Classification: Likely benign for RALGAPA1-related condition. Last evaluated: 2022-06-17. Review status: no assertion criteria provided. Collection method: clinical testing. Allele origin: germline. Not counted in ClinVar's aggregate classification.
Comment: This variant is classified as likely benign based on ACMG/AMP sequence variant interpretation guidelines (Richards et al. 2015 PMID: 25741868, with internal and published modifications).

Literature cited by the submitters: PubMed 31785789 (cited by Mayo Clinic Laboratories, Mayo Clinic); PubMed 33057194 (cited by Mayo Clinic Laboratories, Mayo Clinic); PubMed 35982159 (cited by Mayo Clinic Laboratories, Mayo Clinic).